The following is an entry in ClinVar:

ClinVar aggregate classification (germline): Uncertain significance. Review status: criteria provided, multiple submitters, no conflicts (2 of 4 stars). 2 submissions from 2 submitters: Uncertain significance (2). Last evaluated 2026-02-01.

Conditions:
Inborn genetic diseases. Identifiers: MedGen C0950123, MeSH D030342.

gnomAD v4.1: 5 of 1,613,800 alleles (0.00031%); highest among the groups gnomAD compares: African/African-American, 0.0013%; no homozygotes.

Submissions (2):

Labcorp Genetics (formerly Invitae), Labcorp
Classification: Uncertain significance. Last evaluated: 2026-02-01. Review status: criteria provided, single submitter. Criteria: Invitae Variant Classification Sherloc (09022015). Collection method: clinical testing. Allele origin: germline.
Comment: This sequence change replaces aspartic acid, which is acidic and polar, with tyrosine, which is neutral and polar, at codon 197 of the ALB protein (p.Asp197Tyr). This variant is present in population databases (no rsID available, gnomAD 0.0009%). This variant has not been reported in the literature in individuals affected with ALB-related conditions. ClinVar contains an entry for this variant (Variation ID: 4268154). Invitae Evidence Modeling of protein sequence and biophysical properties (such as structural, functional, and spatial information, amino acid conservation, physicochemical variation, residue mobility, and thermodynamic stability) indicates that this missense variant is expected to disrupt ALB protein function with a positive predictive value of 80%. Algorithms developed to predict the effect of sequence changes on RNA splicing suggest that this variant may disrupt the consensus splice site. In summary, the available evidence is currently insufficient to determine the role of this variant in disease. Therefore, it has been classified as a Variant of Uncertain Significance.

Ambry Genetics
Classification: Uncertain significance for Inborn genetic diseases. Last evaluated: 2025-06-29. Review status: criteria provided, single submitter. Criteria: Ambry Variant Classification Scheme 2023. Collection method: clinical testing. Allele origin: germline.

NM_000477.7(ALB):c.589G>T (p.Asp197Tyr)

Gene: ALB (albumin; plus strand). Cytogenetic location: 4q13.3.
Variant type: single nucleotide variant.
Coding change: c.589G>T on transcript NM_000477.7 (MANE Select); coding-DNA position 589, G replaced by T.
Protein change: p.Asp197Tyr; replaces aspartic acid 197 with tyrosine.
Molecular consequence: missense variant.
Genome position (GRCh38, 1-based): chr4:73,409,461, G>T. VCF-style: chr4-73409461-G-T. GRCh37 (hg19) VCF-style: chr4-74275178-G-T.
Other names: short protein forms D197Y.
Identifiers: ClinVar variation 4268154 (VCV004268154.2).